The following is an entry in ClinVar:

ClinVar aggregate classification (germline): Uncertain significance. Review status: criteria provided, multiple submitters, no conflicts (2 of 4 stars). 8 submissions from 8 submitters: Uncertain significance (7). 1 of the submissions does not count toward it. Last evaluated 2025-08-17.

Conditions:
Hereditary cancer-predisposing syndrome. Also called: Tumor predisposition; Hereditary Cancer Syndrome; Neoplastic Syndromes, Hereditary; Hereditary neoplastic syndrome. Identifiers: Orphanet 140162, MedGen C0027672, MeSH D009386, MONDO:0015356.
Hereditary diffuse gastric adenocarcinoma (HDGC). Also called: DIFFUSE GASTRIC AND LOBULAR BREAST CANCER SYNDROME. Identifiers: Orphanet 26106, MedGen C1708349, MONDO:0007648, OMIM 137215.
Familial cancer of breast. Also called: Hereditary breast cancer; BREAST CANCER, FAMILIAL; hereditary breast carcinoma. Identifiers: Orphanet 227535, MedGen C0346153, MONDO:0016419, OMIM 114480. Disease mechanism: loss of function.

Allele frequency attached by ClinVar (database versions not stated): TOPMed below 0.00001; gnomAD 0.00001 and 0.00002; gnomAD exomes 0.00001.
gnomAD v4.1: 9 of 1,614,092 alleles (0.00056%); highest among the groups gnomAD compares: Middle Eastern, 0.033%; no homozygotes.

Submissions (8):

Labcorp Genetics (formerly Invitae), Labcorp
Classification: Uncertain significance for Hereditary diffuse gastric adenocarcinoma. Last evaluated: 2025-08-17. Review status: criteria provided, single submitter. Criteria: Invitae Variant Classification Sherloc (09022015). Collection method: clinical testing. Allele origin: germline.
Comment: This sequence change replaces lysine, which is basic and polar, with arginine, which is basic and polar, at codon 440 of the CDH1 protein (p.Lys440Arg). This variant is present in population databases (no rsID available, gnomAD 0.002%). This variant has not been reported in the literature in individuals affected with CDH1-related conditions. ClinVar contains an entry for this variant (Variation ID: 219581). An algorithm developed to predict the effect of missense changes on protein structure and function (PolyPhen-2) suggests that this variant is likely to be disruptive. Studies have shown that this missense change is associated with inconclusive levels of altered splicing (internal data). In summary, the available evidence is currently insufficient to determine the role of this variant in disease. Therefore, it has been classified as a Variant of Uncertain Significance.

Ambry Genetics
Classification: Uncertain significance for Hereditary cancer-predisposing syndrome. Last evaluated: 2025-04-13. Review status: criteria provided, single submitter. Criteria: Ambry Variant Classification Scheme 2023. Collection method: clinical testing. Allele origin: germline.
Comment: The p.K440R variant (also known as c.1319A>G), located in coding exon 9 of the CDH1 gene, results from an A to G substitution at nucleotide position 1319. The lysine at codon 440 is replaced by arginine, an amino acid with highly similar properties. This amino acid position is highly conserved in available vertebrate species. In addition, the in silico prediction for this alteration is inconclusive. Since supporting evidence is limited at this time, the clinical significance of this alteration remains unclear.

Mayo Clinic Laboratories, Mayo Clinic
Classification: Uncertain significance. Last evaluated: 2024-06-13. Review status: criteria provided, single submitter. Criteria: ACMG Guidelines, 2015. Collection method: clinical testing. Allele origin: germline. Observed: 1 variant allele.

Color Diagnostics, LLC DBA Color Health
Classification: Uncertain significance for Hereditary cancer-predisposing syndrome. Last evaluated: 2024-04-15. Review status: criteria provided, single submitter. Criteria: ACMG Guidelines, 2015. Collection method: clinical testing. Allele origin: germline.
Comment: This missense variant replaces lysine with arginine at codon 440 of the CDH1 protein. To our knowledge, functional studies have not been reported for this variant. This variant has not been reported in individuals affected with CDH1-related disorders in the literature. This variant has been identified in 2/251472 chromosomes in the general population by the Genome Aggregation Database (gnomAD). The available evidence is insufficient to determine the role of this variant in disease conclusively. Therefore, this variant is classified as a Variant of Uncertain Significance.

Baylor Genetics
Classification: Uncertain significance for Familial cancer of breast. Last evaluated: 2023-12-26. Review status: criteria provided, single submitter. Criteria: ACMG Guidelines, 2015. Collection method: clinical testing. Allele origin: unknown.

Myriad Genetics, Inc.
Classification: Uncertain significance for Hereditary diffuse gastric adenocarcinoma. Last evaluated: 2023-03-03. Review status: criteria provided, single submitter. Criteria: Myriad Autosomal Dominant, Autosomal Recessive and X-Linked Classification Criteria (2023). Collection method: clinical testing. Allele origin: unknown.
Comment: This variant is classified as a variant of uncertain significance as there is insufficient evidence to determine its impact on protein function and/or cancer risk.

GeneDx
Classification: Uncertain significance. Last evaluated: 2021-10-29. Review status: criteria provided, single submitter. Criteria: GeneDx Variant Classification Process June 2021. Collection method: clinical testing. Allele origin: germline. Affected: yes.
Comment: Not observed at significant frequency in large population cohorts (Lek 2016); In silico analysis supports that this missense variant has a deleterious effect on protein structure/function; In silico analysis supports a deleterious effect on splicing; Has not been previously published as pathogenic or benign to our knowledge; This variant is associated with the following publications: (PMID: 22850631, 15235021)

Counsyl
Classification: Uncertain significance for Hereditary diffuse gastric adenocarcinoma. Last evaluated: 2017-08-14. Review status: no assertion criteria provided. Collection method: clinical testing. Allele origin: unknown. Not counted in ClinVar's aggregate classification.

NM_004360.5(CDH1):c.1319A>G (p.Lys440Arg)

Gene: CDH1 (cadherin 1; plus strand). Cytogenetic location: 16q22.1.
Variant type: single nucleotide variant.
Coding change: c.1319A>G on transcript NM_004360.5 (MANE Select); coding-DNA position 1319, A replaced by G.
Protein change: p.Lys440Arg; replaces lysine 440 with arginine.
Molecular consequence: missense variant. On other transcripts: 5 prime UTR variant (2), intron variant (1).
Genome position (GRCh38, 1-based): chr16:68,813,494, A>G. VCF-style: chr16-68813494-A-G. GRCh37 (hg19) VCF-style: chr16-68847397-A-G.
Other names: p.Lys440Arg; c.1319A>G (LRG_301t1); c.-297A>G (NM_001317185.2); c.-501A>G (NM_001317186.2); c.1137+1231A>G (NM_001317184.2); short protein forms K440R.
Identifiers: ClinVar variation 219581 (VCV000219581.28), dbSNP rs864622165, ClinGen allele CA350602.
Genomic context (GRCh38, chr16:68,813,494, plus strand): 5'-GTGGACAATTTGTCGTCACCACAAATCCAGTGAACAACGATGGCATTTTGAAAACAGCAA[A>G]GGTTTGTATGGTACCTGGCAAGATGCAGAAACTGGCATCCTCACAGCTGTTCATACCCTT-3'
Protein context (NP_004351.1, residues 430-450): VNNDGILKTA[Lys440Arg]GLDFEAKQQY